The following is an entry in ClinVar:

NM_001042492.3(NF1):c.3250_3254del (p.Pro1084fs)

Gene: NF1 (neurofibromin 1; plus strand). Cytogenetic location: 17q11.2.
Variant type: Deletion.
Coding change: c.3250_3254del on transcript NM_001042492.3 (MANE Select); coding-DNA positions 3250 to 3254, 5 bases deleted (CCTCT; older notation c.3250_3254delCCTCT).
Protein change: p.Pro1084fs; shifts the reading frame from proline 1084.
Molecular consequence: frameshift variant.
Genome position (GRCh38, 1-based): chr17:31,232,125-31,232,129, CCTCT deleted. VCF-style (leftmost placement, unchanged base first): chr17-31232124-CCCTCT-C. GRCh37 (hg19) VCF-style: chr17-29559142-CCCTCT-C.
Other names: c.3250_3254delCCTCT, p.Pro1084Alafs (NM_000267.4); short protein forms P1084fs.
Identifiers: ClinVar variation 1709958 (VCV001709958.2), dbSNP rs2508224095, ClinGen allele CA2580092961.
Genomic context (GRCh38, chr17:31,232,124, plus strand): 5'-TTTTTTCAGAGATTTGGACCAGGCAAGCATGGAAGCAGTAGTTTCACTTCTAGCTGGTCT[CCCTCT>C]GCAGCCTGAAGAAGGAGATGGTGTGGAATTGATGGAAGCCAAATCACAGTTATTTCTTAA-3'

ClinVar aggregate classification (germline): Likely pathogenic (1 of 4 stars; one submission).

Conditions:
Neurofibromatosis, type 1 (NF1). Also called: Peripheral type neurofibromatosis; VON RECKLINGHAUSEN DISEASE; NEUROFIBROMATOSIS, TYPE I, SOMATIC; Neurofibromatosis, type I. Identifiers: Orphanet 636, MedGen C0027831, MONDO:0018975, OMIM 162200. Disease mechanism: loss of function.

Submission:

MGZ Medical Genetics Center
Classification: Likely pathogenic for Neurofibromatosis, type 1. Last evaluated: 2021-09-07. Review status: criteria provided, single submitter. Criteria: ACMG Guidelines, 2015. Collection method: clinical testing. Allele origin: germline. Affected: yes. Observed: 1 variant allele.
Comment: ACMG criteria applied: PVS1, PM2_SUP